The following is an entry in ClinVar:

ClinVar aggregate classification (germline): Pathogenic (1 of 4 stars; one submission).

Conditions:
Baller-Gerold syndrome (BGS). Also called: CRANIOSYNOSTOSIS WITH RADIAL DEFECTS. Identifiers: Orphanet 1225, MedGen C0265308, MONDO:0009039, OMIM 218600.

Submission:

Labcorp Genetics (formerly Invitae), Labcorp
Classification: Pathogenic for Baller-Gerold syndrome. Last evaluated: 2023-04-28. Review status: criteria provided, single submitter. Criteria: Invitae Variant Classification Sherloc (09022015). Collection method: clinical testing. Allele origin: germline.
Comment: This sequence change creates a premature translational stop signal (p.Gln309*) in the RECQL4 gene. It is expected to result in an absent or disrupted protein product. Loss-of-function variants in RECQL4 are known to be pathogenic (PMID: 12734318, 12952869). This variant is not present in population databases (gnomAD no frequency). This variant has not been reported in the literature in individuals affected with RECQL4-related conditions. ClinVar contains an entry for this variant (Variation ID: 459529). For these reasons, this variant has been classified as Pathogenic.

Literature cited by the submitters: PubMed 12734318; PubMed 12952869.

NM_004260.4(RECQL4):c.925C>T (p.Gln309Ter)

Gene: RECQL4 (RecQ like helicase 4; minus strand). Cytogenetic location: 8q24.3.
Variant type: single nucleotide variant.
Coding change: c.925C>T on transcript NM_004260.4 (MANE Select); coding-DNA position 925, C replaced by T.
Protein change: p.Gln309Ter; replaces glutamine 309 with a stop codon.
Molecular consequence: nonsense.
Genome position (GRCh38, 1-based): chr8:144,516,194, G>A on the plus strand (C>T on the coding strand, the complement: RECQL4 is on the minus strand). VCF-style: chr8-144516194-G-A. GRCh37 (hg19) VCF-style: chr8-145741578-G-A.
Other names: short protein forms Q309*.
Identifiers: ClinVar variation 459529 (VCV000459529.5), dbSNP rs1554902528, ClinGen allele CA372688649.